The following is an entry in ClinVar:

NM_001372.4(DNAH9):c.12004A>G (p.Ile4002Val)

Gene: DNAH9 (dynein axonemal heavy chain 9; plus strand). Cytogenetic location: 17p12.
Variant type: single nucleotide variant.
Coding change: c.12004A>G on transcript NM_001372.4 (MANE Select); coding-DNA position 12004, A replaced by G.
Protein change: p.Ile4002Val; replaces isoleucine 4002 with valine.
Molecular consequence: missense variant.
Genome position (GRCh38, 1-based): chr17:11,929,992, A>G. VCF-style: chr17-11929992-A-G. GRCh37 (hg19) VCF-style: chr17-11833309-A-G.
Other names: c.940A>G, p.Ile314Val (NM_004662.2); c.12004A>G (NM_001372.3); short protein forms I314V, I4002V.
Identifiers: ClinVar variation 1390539 (VCV001390539.6), dbSNP rs200659309, ClinGen allele CA8398023.

ClinVar aggregate classification (germline): Uncertain significance. Review status: criteria provided, multiple submitters, no conflicts (2 of 4 stars). 3 submissions from 3 submitters: Uncertain significance (3). Last evaluated 2024-02-28.

Conditions:
DNAH9-related disorder. Also called: DNAH9-related condition.
Inborn genetic diseases. Identifiers: MedGen C0950123, MeSH D030342.

Allele frequency attached by ClinVar (database versions not stated): gnomAD exomes 0.00004 and 0.00019; TOPMed 0.00017; ExAC 0.00019; gnomAD 0.00019; 1000 Genomes Project 0.00020; 1000 Genomes Project 30x 0.00031.
gnomAD v4.1: 86 of 1,614,108 alleles (0.0053%); highest among the groups gnomAD compares: Admixed American, 0.12%; no homozygotes.

Submissions (3):

Ambry Genetics
Classification: Uncertain significance for Inborn genetic diseases. Last evaluated: 2024-02-28. Review status: criteria provided, single submitter. Criteria: Ambry Variant Classification Scheme 2023. Collection method: clinical testing. Allele origin: germline.

PreventionGenetics, part of Exact Sciences
Classification: Uncertain significance for DNAH9-related condition. Last evaluated: 2023-03-10. Review status: criteria provided, single submitter. Criteria: ACMG Guidelines, 2015. Collection method: clinical testing. Allele origin: germline.
Comment: The DNAH9 c.12004A>G variant is predicted to result in the amino acid substitution p.Ile4002Val. To our knowledge, this variant has not been reported in the literature. This variant is reported in 0.11% of alleles in individuals of Latino descent in gnomAD. Although we suspect that this variant may be benign, at this time, the clinical significance of this variant is uncertain due to the absence of conclusive functional and genetic evidence.

Labcorp Genetics (formerly Invitae), Labcorp
Classification: Uncertain significance. Last evaluated: 2022-02-02. Review status: criteria provided, single submitter. Criteria: Invitae Variant Classification Sherloc (09022015). Collection method: clinical testing. Allele origin: germline.
Comment: This sequence change replaces isoleucine, which is neutral and non-polar, with valine, which is neutral and non-polar, at codon 4002 of the DNAH9 protein (p.Ile4002Val). This variant is present in population databases (rs200659309, gnomAD 0.1%). This variant has not been reported in the literature in individuals affected with DNAH9-related conditions. Algorithms developed to predict the effect of missense changes on protein structure and function output the following: SIFT: "Tolerated"; PolyPhen-2: "Benign"; Align-GVGD: "Class C0". The valine amino acid residue is found in multiple mammalian species, which suggests that this missense change does not adversely affect protein function. In summary, the available evidence is currently insufficient to determine the role of this variant in disease. Therefore, it has been classified as a Variant of Uncertain Significance.